The following is an entry in ClinVar:

ClinVar aggregate classification (germline): Uncertain significance. Review status: criteria provided, multiple submitters, no conflicts (2 of 4 stars). 3 submissions from 3 submitters: Uncertain significance (3). Last evaluated 2024-02-02.

Conditions:
Thyrotoxic periodic paralysis, susceptibility to, 1 (TTPP1). Identifiers: Orphanet 79102, MedGen C2749982, MONDO:0008570, OMIM 188580.
Malignant hyperthermia, susceptibility to, 5 (MHS5). Also called: CACNA1S-Related Malignant Hyperthermia Susceptibility. Identifiers: Orphanet 423, MedGen C1866077, MONDO:0011163, OMIM 601887.
Congenital myopathy 18. Also called: DIHYDROPYRIDINE RECEPTOR CONGENITAL MYOPATHY; DHPR CONGENITAL MYOPATHY; Myopathy, congenital, due to dihydropyridine receptor defect. Identifiers: MedGen C5830283, MONDO:0859514, OMIM 620246.
Hypokalemic periodic paralysis, type 1. Also called: HypoPP; Hypokalemic Periodic Paralysis Type 1 (AD). Identifiers: Orphanet 681, MedGen C3714580, MONDO:0042979, OMIM 170400.

Allele frequency attached by ClinVar (database versions not stated): gnomAD 0.00001; gnomAD exomes 0.00002; ExAC 0.00003.
gnomAD v4.1: 25 of 1,613,480 alleles (0.0015%); highest among the groups gnomAD compares: Middle Eastern, 0.049%; no homozygotes.

Submissions (3):

Labcorp Genetics (formerly Invitae), Labcorp
Classification: Uncertain significance for Hypokalemic periodic paralysis, type 1; Malignant hyperthermia, susceptibility to, 5. Last evaluated: 2024-02-02. Review status: criteria provided, single submitter. Criteria: Invitae Variant Classification Sherloc (09022015). Collection method: clinical testing. Allele origin: germline.
Comment: This sequence change replaces cysteine, which is neutral and slightly polar, with serine, which is neutral and polar, at codon 638 of the CACNA1S protein (p.Cys638Ser). This variant is present in population databases (rs766576671, gnomAD 0.004%). This variant has not been reported in the literature in individuals affected with CACNA1S-related conditions. ClinVar contains an entry for this variant (Variation ID: 574343). Advanced modeling of protein sequence and biophysical properties (such as structural, functional, and spatial information, amino acid conservation, physicochemical variation, residue mobility, and thermodynamic stability) performed at Invitae indicates that this missense variant is not expected to disrupt CACNA1S protein function with a negative predictive value of 80%. Algorithms developed to predict the effect of sequence changes on RNA splicing suggest that this variant may disrupt the consensus splice site. In summary, the available evidence is currently insufficient to determine the role of this variant in disease. Therefore, it has been classified as a Variant of Uncertain Significance.

Fulgent Genetics
Classification: Uncertain significance for Hypokalemic periodic paralysis, type 1; Thyrotoxic periodic paralysis, susceptibility to, 1; Malignant hyperthermia, susceptibility to, 5; Congenital myopathy 18. Last evaluated: 2024-01-04. Review status: criteria provided, single submitter. Criteria: ACMG Guidelines, 2015. Collection method: clinical testing. Allele origin: germline.

All of Us Research Program, National Institutes of Health
Classification: Uncertain significance for Malignant hyperthermia, susceptibility to, 5. Last evaluated: 2023-08-15. Review status: criteria provided, single submitter. Criteria: ACMG Guidelines, 2015. Collection method: clinical testing. Allele origin: germline. Inheritance: Autosomal dominant inheritance. Observed: 1 variant allele, 1 heterozygote.
Comment: This missense variant replaces cysteine with serine at codon 638 of the CACNA1S protein. Computational prediction suggests that this variant may not impact protein structure and function (internally defined REVEL score threshold <= 0.5, PMID: 27666373). To our knowledge, functional studies have not been reported for this variant. This variant has not been reported in individuals affected with CACNA1S-related disorders in the literature. This variant has been identified in 5/251490 chromosomes in the general population by the Genome Aggregation Database (gnomAD). The available evidence is insufficient to determine the role of this variant in disease conclusively. Therefore, this variant is classified as a Variant of Uncertain Significance.

This study involves interpretation of variants in research participants for the purpose of population health screening. Participant phenotype was not available at the time of variant classification. Additional details can be found in publication PMID: 35346344, PMCID: PMC8962531

NM_000069.3(CACNA1S):c.1912T>A (p.Cys638Ser)

Gene: CACNA1S (calcium voltage-gated channel subunit alpha1 S; minus strand). Cytogenetic location: 1q32.1.
Variant type: single nucleotide variant.
Coding change: c.1912T>A on transcript NM_000069.3 (MANE Select); coding-DNA position 1912, T replaced by A.
Protein change: p.Cys638Ser; replaces cysteine 638 with serine.
Molecular consequence: missense variant.
Genome position (GRCh38, 1-based): chr1:201,075,531, A>T on the plus strand (T>A on the coding strand, the complement: CACNA1S is on the minus strand). VCF-style: chr1-201075531-A-T. GRCh37 (hg19) VCF-style: chr1-201044659-A-T.
Other names: short protein forms C638S.
Identifiers: ClinVar variation 574343 (VCV000574343.8), dbSNP rs766576671, ClinGen allele CA078666.